The following is an entry in ClinVar:

ClinVar aggregate classification (germline): Likely pathogenic (1 of 4 stars; one submission).

Conditions:
Alport syndrome. Also called: Hemorrhagic familial nephritis; Hemorrhagic hereditary nephritis; Congenital hereditary hematuria. Identifiers: Orphanet 63, MedGen C1567741, MONDO:0018965.

Submission:

Natera, Inc.
Classification: Likely pathogenic for Alport syndrome. Last evaluated: 2024-10-24. Review status: criteria provided, single submitter. Criteria: Natera Variant Classification Schema (03/2026). Collection method: clinical testing. Allele origin: germline.
Comment: The c.1715G>C variant in COL4A3 is a missense variant predicted to cause substitution of glycine to alanine at amino acid 572. This variant is rare in the general population with a frequency below the threshold expected for the associated phenotype(s). This variant is located in a functionally critical region of the protein. A different variant at the same position has been determined to be Pathogenic or Likely Pathogenic. Computational prediction algorithms indicate this variant is likely to affect gene or protein function. Given the available evidence, this variant is classified as Likely Pathogenic.

NM_000091.5(COL4A3):c.1715G>C (p.Gly572Ala)

Genes: COL4A3 (collagen type IV alpha 3 chain; plus strand), MFF-DT (MFF divergent transcript; minus strand). Cytogenetic location: 2q36.3.
Variant type: single nucleotide variant.
Coding change: c.1715G>C on transcript NM_000091.5 (MANE Select); coding-DNA position 1715, G replaced by C.
Protein change: p.Gly572Ala; replaces glycine 572 with alanine.
Molecular consequence: missense variant.
Genome position (GRCh38, 1-based): chr2:227,270,909, G>C. VCF-style: chr2-227270909-G-C. GRCh37 (hg19) VCF-style: chr2-228135625-G-C.
Other names: short protein forms G572A.
Identifiers: ClinVar variation 4817203 (VCV004817203.1).